The following is an entry in ClinVar:

NM_000702.4(ATP1A2):c.633G>A (p.Val211=)

Genes: ATP1A2 (ATPase Na+/K+ transporting subunit alpha 2; plus strand), LOC126805890 (CDK7 strongly-dependent group 2 enhancer GRCh37_chr1:160093987-160095186; plus strand). Cytogenetic location: 1q23.2.
Variant type: single nucleotide variant.
Coding change: c.633G>A on transcript NM_000702.4 (MANE Select); coding-DNA position 633, G replaced by A.
Protein change: p.Val211=; no amino-acid change (valine 211 retained).
Molecular consequence: synonymous variant.
Genome position (GRCh38, 1-based): chr1:160,125,138, G>A. VCF-style: chr1-160125138-G-A. GRCh37 (hg19) VCF-style: chr1-160094928-G-A.
Identifiers: ClinVar variation 949460 (VCV000949460.10), dbSNP rs1054187251, ClinGen allele CA31490935.

ClinVar aggregate classification (germline): Uncertain significance (1 of 4 stars; one submission).

Conditions:
Familial hemiplegic migraine. Identifiers: MedGen C0338484, MONDO:0000700.

Allele frequency attached by ClinVar (database versions not stated): TOPMed 0.00001.

Submission:

Labcorp Genetics (formerly Invitae), Labcorp
Classification: Uncertain significance for Familial hemiplegic migraine. Last evaluated: 2020-04-23. Review status: criteria provided, single submitter. Criteria: Invitae Variant Classification Sherloc (09022015). Collection method: clinical testing. Allele origin: germline.
Comment: In summary, the available evidence is currently insufficient to determine the role of this variant in disease. Therefore, it has been classified as a Variant of Uncertain Significance. Algorithms developed to predict the effect of sequence changes on RNA splicing suggest that this variant may create or strengthen a splice site, but this prediction has not been confirmed by published transcriptional studies. This variant has not been reported in the literature in individuals with ATP1A2-related conditions. This variant is not present in population databases (ExAC no frequency). This sequence change affects codon 211 of the ATP1A2 mRNA. It is a 'silent' change, meaning that it does not change the encoded amino acid sequence of the ATP1A2 protein.